The following is an entry in ClinVar:

ClinVar aggregate classification (germline): Pathogenic (1 of 4 stars; one submission).

Conditions:
Sialuria. Also called: Sialic Acid Storage Disease; SIALURIA, FRENCH TYPE. Identifiers: Orphanet 3166, MedGen C0342853, MONDO:0010028, OMIM 269921.
GNE myopathy (NM). Also called: IBM 2; Inclusion body myopathy autosomal recessive; Inclusion body myopathy quadriceps sparing; NONAKA DISTAL MYOPATHY; INCLUSION BODY MYOPATHY, HEREDITARY, AUTOSOMAL RECESSIVE; INCLUSION BODY MYOPATHY 2, AUTOSOMAL RECESSIVE. Identifiers: Orphanet 602, MedGen C1853926, MONDO:0011603, OMIM 605820.

Submission:

Labcorp Genetics (formerly Invitae), Labcorp
Classification: Pathogenic for Sialuria; GNE myopathy. Last evaluated: 2019-11-09. Review status: criteria provided, single submitter. Criteria: Invitae Variant Classification Sherloc (09022015). Collection method: clinical testing. Allele origin: germline.
Comment: For these reasons, this variant has been classified as Pathogenic. Loss-of-function variants in GNE are known to be pathogenic (PMID: 24027297). This variant has not been reported in the literature in individuals with GNE-related conditions. This variant is not present in population databases (ExAC no frequency). This sequence change creates a premature translational stop signal (p.Leu380Glnfs*8) in the GNE gene. It is expected to result in an absent or disrupted protein product.

Literature cited by the submitters: PubMed 24027297.

NM_005476.7(GNE):c.1045_1046insAAACTGCACC (p.Leu349fs)

Gene: GNE (glucosamine (UDP-N-acetyl)-2-epimerase/N-acetylmannosamine kinase; minus strand). Cytogenetic location: 9p13.3.
Variant type: Insertion.
Coding change: c.1045_1046insAAACTGCACC on transcript NM_005476.7 (MANE Select); coding-DNA positions 1045 to 1046, AAACTGCACC inserted.
Protein change: p.Leu349fs; shifts the reading frame from leucine 349.
Molecular consequence: frameshift variant.
Genome position: GRCh38 VCF-style: chr9-36229045-A-AGGTGCAGTTT. GRCh37 (hg19) VCF-style: chr9-36229042-A-AGGTGCAGTTT.
Other names: c.1138_1139insAAACTGCACC, p.Leu380fs (NM_001128227.3); c.1045_1046insAAACTGCACC, p.Leu349fs (NM_001190383.3); c.715_716insAAACTGCACC, p.Leu239fs (NM_001190384.3); c.868_869insAAACTGCACC, p.Leu290fs (NM_001190388.2, NM_001374798.1); c.892_893insAAACTGCACC, p.Leu298fs (NM_001374797.1); short protein forms L239fs, L380fs, L298fs, L349fs, L290fs.
Identifiers: ClinVar variation 968264 (VCV000968264.7), dbSNP rs1829026390, ClinGen allele CA1139660954.